The following is an entry in ClinVar:

ClinVar aggregate classification (germline): Uncertain significance (1 of 4 stars; one submission).

Allele frequency attached by ClinVar (database versions not stated): gnomAD exomes below 0.00001.
gnomAD v4.1: 1 of 1,614,020 alleles (0.000062%); highest among the groups gnomAD compares: Non-Finnish European, 0.000085%; no homozygotes.

Submission:

Labcorp Genetics (formerly Invitae), Labcorp
Classification: Uncertain significance. Last evaluated: 2024-02-24. Review status: criteria provided, single submitter. Criteria: Invitae Variant Classification Sherloc (09022015). Collection method: clinical testing. Allele origin: germline.
Comment: This sequence change replaces proline, which is neutral and non-polar, with threonine, which is neutral and polar, at codon 1196 of the CNTNAP1 protein (p.Pro1196Thr). This variant is not present in population databases (gnomAD no frequency). This variant has not been reported in the literature in individuals affected with CNTNAP1-related conditions. ClinVar contains an entry for this variant (Variation ID: 1397771). An algorithm developed to predict the effect of missense changes on protein structure and function (PolyPhen-2) suggests that this variant is likely to be tolerated. In summary, the available evidence is currently insufficient to determine the role of this variant in disease. Therefore, it has been classified as a Variant of Uncertain Significance.

NM_003632.3(CNTNAP1):c.3586C>A (p.Pro1196Thr)

Gene: CNTNAP1 (contactin associated protein 1; plus strand). Cytogenetic location: 17q21.2.
Variant type: single nucleotide variant.
Coding change: c.3586C>A on transcript NM_003632.3 (MANE Select); coding-DNA position 3586, C replaced by A.
Protein change: p.Pro1196Thr; replaces proline 1196 with threonine.
Molecular consequence: missense variant.
Genome position (GRCh38, 1-based): chr17:42,697,571, C>A. VCF-style: chr17-42697571-C-A. GRCh37 (hg19) VCF-style: chr17-40849589-C-A.
Other names: short protein forms P1196T.
Identifiers: ClinVar variation 1397771 (VCV001397771.8), dbSNP rs2143679606, ClinGen allele CA399628857.
Genomic context (GRCh38, chr17:42,697,571, plus strand): 5'-CTTTGGGTCCAAGTCCCTCTTTCTGGGCCTGCCTCTCTCTCAGAGACAGGAGTCATTGAC[C>A]CGGAGATCCAGCGCTACAACACCCCAGGTTTCTCAGGCTGCCTGTCTGGTGTTCGATTCA-3'
Protein context (NP_003623.1, residues 1186-1206): GRVMETGVID[Pro1196Thr]EIQRYNTPGF